The following is an entry in ClinVar:

NM_000088.4(COL1A1):c.3664A>G (p.Asn1222Asp)

Gene: COL1A1 (collagen type I alpha 1 chain; minus strand). Cytogenetic location: 17q21.33.
Variant type: single nucleotide variant.
Coding change: c.3664A>G on transcript NM_000088.4 (MANE Select); coding-DNA position 3664, A replaced by G.
Protein change: p.Asn1222Asp; replaces asparagine 1222 with aspartic acid.
Molecular consequence: missense variant.
Genome position (GRCh38, 1-based): chr17:50,186,790, T>C on the plus strand (A>G on the coding strand, the complement: COL1A1 is on the minus strand). VCF-style: chr17-50186790-T-C. GRCh37 (hg19) VCF-style: chr17-48264151-T-C.
Other names: short protein forms N1222D.
Identifiers: ClinVar variation 1806457 (VCV001806457.5), dbSNP rs1906575627, ClinGen allele CA400197342.

ClinVar aggregate classification (germline): Uncertain significance. Review status: criteria provided, single submitter (1 of 4 stars). 2 submissions from 2 submitters: Uncertain significance (1). 1 of the submissions does not count toward it. Last evaluated 2023-07-27.

Conditions:
Osteogenesis imperfecta with normal sclerae, dominant form (OI4). Also called: OSTEOGENESIS IMPERFECTA WITH NORMAL SCLERAE; Osteogenesis imperfecta type 4; Osteogenesis Imperfecta Type IV; OSTEOGENESIS IMPERFECTA, TYPE IV, WITH DENTINOGENESIS IMPERFECTA; Common Variable Osteogenesis Imperfecta with Normal Sclerae. Identifiers: Orphanet 216820, Orphanet 666, MedGen C0268363, MONDO:0008148, OMIM 166220.
Osteogenesis imperfecta type I (OI1). Also called: OI, TYPE I; OSTEOGENESIS IMPERFECTA TARDA; OSTEOGENESIS IMPERFECTA WITH BLUE SCLERAE; Osteogenesis imperfecta type 1; Lobstein's Disease; Lobstein disease. Identifiers: Orphanet 216796, Orphanet 666, MedGen C0023931, MONDO:0008146, OMIM 166200. Disease mechanism: loss of function.

Submissions (2):

Labcorp Genetics (formerly Invitae), Labcorp
Classification: Uncertain significance for Osteogenesis imperfecta type I. Last evaluated: 2023-07-27. Review status: criteria provided, single submitter. Criteria: Invitae Variant Classification Sherloc (09022015). Collection method: clinical testing. Allele origin: germline.
Comment: This sequence change replaces asparagine, which is neutral and polar, with aspartic acid, which is acidic and polar, at codon 1222 of the COL1A1 protein (p.Asn1222Asp). This variant is not present in population databases (gnomAD no frequency). This missense change has been observed in individual(s) with osteogenesis imperfecta, type IV (PMID: 36951356). ClinVar contains an entry for this variant (Variation ID: 1806457). Advanced modeling of protein sequence and biophysical properties (such as structural, functional, and spatial information, amino acid conservation, physicochemical variation, residue mobility, and thermodynamic stability) performed at Invitae indicates that this missense variant is not expected to disrupt COL1A1 protein function. In summary, the available evidence is currently insufficient to determine the role of this variant in disease. Therefore, it has been classified as a Variant of Uncertain Significance.

Molecular Genetics laboratory, Necker Hospital
Classification: Likely pathogenic for Osteogenesis imperfecta with normal sclerae, dominant form. Review status: no assertion criteria provided. Collection method: clinical testing. Allele origin: unknown. Inheritance: Autosomal dominant inheritance. Affected: yes. Observed: 1 heterozygote. Not counted in ClinVar's aggregate classification.

Literature cited by the submitters: PubMed 36951356 (cited by Labcorp Genetics (formerly Invitae), Labcorp).